The following is an entry in ClinVar:

ClinVar aggregate classification (germline): Uncertain significance. Review status: criteria provided, multiple submitters, no conflicts (2 of 4 stars). 3 submissions from 3 submitters: Uncertain significance (3). Last evaluated 2024-05-30.

Conditions:
Hereditary cancer-predisposing syndrome. Also called: Hereditary neoplastic syndrome; Neoplastic Syndromes, Hereditary; Tumor predisposition; Hereditary Cancer Syndrome. Identifiers: Orphanet 140162, MedGen C0027672, MeSH D009386, MONDO:0015356.
Hereditary diffuse gastric adenocarcinoma (HDGC). Also called: DIFFUSE GASTRIC AND LOBULAR BREAST CANCER SYNDROME. Identifiers: Orphanet 26106, MedGen C1708349, MONDO:0007648, OMIM 137215.

Allele frequency attached by ClinVar (database versions not stated): gnomAD exomes below 0.00001.

Submissions (3):

Ambry Genetics
Classification: Uncertain significance for Hereditary cancer-predisposing syndrome. Last evaluated: 2024-05-30. Review status: criteria provided, single submitter. Criteria: Ambry Variant Classification Scheme 2023. Collection method: clinical testing. Allele origin: germline.
Comment: The p.G274V variant (also known as c.821G>T), located in coding exon 6 of the CDH1 gene, results from a G to T substitution at nucleotide position 821. The glycine at codon 274 is replaced by valine, an amino acid with dissimilar properties. This variant was identified in an individual meeting testing criteria for Hereditary Breast and Ovarian Cancer syndrome, but personal and family medical history was not specifically provided (Chrysafi P et al. Cancers (Basel), 2023 Dec;15:). This amino acid position is well conserved in available vertebrate species. In addition, this alteration is predicted to be tolerated by in silico analysis. Based on the available evidence, the clinical significance of this variant remains unclear.

GeneDx
Classification: Uncertain significance. Last evaluated: 2023-12-19. Review status: criteria provided, single submitter. Criteria: GeneDx Variant Classification Process June 2021. Collection method: clinical testing. Allele origin: germline. Affected: yes.
Comment: Not observed at significant frequency in large population cohorts (gnomAD); In silico analysis supports that this missense variant has a deleterious effect on protein structure/function; Identified in an individual with concern for hereditary breast and ovarian cancer syndrome (PMID: 36647026); This variant is associated with the following publications: (PMID: 36647026, 15235021, 22850631)

Labcorp Genetics (formerly Invitae), Labcorp
Classification: Uncertain significance for Hereditary diffuse gastric adenocarcinoma. Last evaluated: 2023-06-04. Review status: criteria provided, single submitter. Criteria: Invitae Variant Classification Sherloc (09022015). Collection method: clinical testing. Allele origin: germline.
Comment: This variant is not present in population databases (gnomAD no frequency). In summary, the available evidence is currently insufficient to determine the role of this variant in disease. Therefore, it has been classified as a Variant of Uncertain Significance. An algorithm developed to predict the effect of missense changes on protein structure and function (PolyPhen-2) suggests that this variant is likely to be disruptive. ClinVar contains an entry for this variant (Variation ID: 463794). This variant has not been reported in the literature in individuals affected with CDH1-related conditions. This sequence change replaces glycine, which is neutral and non-polar, with valine, which is neutral and non-polar, at codon 274 of the CDH1 protein (p.Gly274Val).

Literature cited by the submitters: PubMed 38136308 (cited by Ambry Genetics).

NM_004360.5(CDH1):c.821G>T (p.Gly274Val)

Gene: CDH1 (cadherin 1; plus strand). Cytogenetic location: 16q22.1.
Variant type: single nucleotide variant.
Coding change: c.821G>T on transcript NM_004360.5 (MANE Select); coding-DNA position 821, G replaced by T.
Protein change: p.Gly274Val; replaces glycine 274 with valine.
Molecular consequence: missense variant. On other transcripts: 5 prime UTR variant (2).
Genome position (GRCh38, 1-based): chr16:68,810,330, G>T. VCF-style: chr16-68810330-G-T. GRCh37 (hg19) VCF-style: chr16-68844233-G-T.
Other names: c.821G>T (LRG_301t1); c.821G>T, p.Gly274Val (NM_001317184.2); c.-795G>T (NM_001317185.2); c.-999G>T (NM_001317186.2); short protein forms G274V.
Identifiers: ClinVar variation 463794 (VCV000463794.9), dbSNP rs876660861, ClinGen allele CA396458972.